The following is an entry in ClinVar:

ClinVar aggregate classification (germline): Pathogenic (1 of 4 stars; one submission).

Submission:

Labcorp Genetics (formerly Invitae), Labcorp
Classification: Pathogenic. Last evaluated: 2023-06-13. Review status: criteria provided, single submitter. Criteria: Invitae Variant Classification Sherloc (09022015). Collection method: clinical testing. Allele origin: unknown.
Comment: For these reasons, this variant has been classified as Pathogenic. This variant has not been reported in the literature in individuals affected with ECHS1-related conditions. This variant is a gross deletion of the genomic region encompassing exon(s) 1 of the ECHS1 gene, which includes the initiator codon. This deletion extends beyond the assayed region for this gene and therefore may encompass additional genes. It is expected to result in an absent or disrupted protein product. Loss-of-function variants in ECHS1 are known to be pathogenic (PMID: 25393721, 26000322, 27090768).

Literature cited by the submitters: PubMed 25393721; PubMed 26000322; PubMed 27090768.

NC_000010.10:g.(?_135186730)_(135186837_?)del

Gene: ECHS1 (enoyl-CoA hydratase, short chain 1; minus strand). Cytogenetic location: 10q26.3.
Variant type: Deletion.
Identifiers: ClinVar variation 3244966 (VCV003244966.1).